The following is an entry in ClinVar:

NM_006231.4(POLE):c.2566C>T (p.Pro856Ser)

Gene: POLE (DNA polymerase epsilon, catalytic subunit; minus strand). Cytogenetic location: 12q24.33.
Variant type: single nucleotide variant.
Coding change: c.2566C>T on transcript NM_006231.4 (MANE Select); coding-DNA position 2566, C replaced by T.
Protein change: p.Pro856Ser; replaces proline 856 with serine.
Molecular consequence: missense variant.
Genome position (GRCh38, 1-based): chr12:132,664,144, G>A on the plus strand (C>T on the coding strand, the complement: POLE is on the minus strand). VCF-style: chr12-132664144-G-A. GRCh37 (hg19) VCF-style: chr12-133240730-G-A.
Other names: short protein forms P856S.
Identifiers: ClinVar variation 473540 (VCV000473540.12), dbSNP rs1555226454, ClinGen allele CA387395955.

ClinVar aggregate classification (germline): Uncertain significance. Review status: criteria provided, multiple submitters, no conflicts (2 of 4 stars). 2 submissions from 2 submitters: Uncertain significance (2). Last evaluated 2026-01-04.

Conditions:
Hereditary cancer-predisposing syndrome. Also called: Neoplastic Syndromes, Hereditary; Tumor predisposition; Hereditary Cancer Syndrome; Hereditary neoplastic syndrome. Identifiers: Orphanet 140162, MedGen C0027672, MeSH D009386, MONDO:0015356.

Allele frequency attached by ClinVar (database versions not stated): gnomAD exomes below 0.00001.
gnomAD v4.1: 1 of 1,613,946 alleles (0.000062%); highest among the groups gnomAD compares: Non-Finnish European, 0.000085%; no homozygotes.

Submissions (2):

Labcorp Genetics (formerly Invitae), Labcorp
Classification: Uncertain significance. Last evaluated: 2026-01-04. Review status: criteria provided, single submitter. Criteria: Invitae Variant Classification Sherloc (09022015). Collection method: clinical testing. Allele origin: germline.
Comment: This sequence change replaces proline, which is neutral and non-polar, with serine, which is neutral and polar, at codon 856 of the POLE protein (p.Pro856Ser). This variant is not present in population databases (gnomAD no frequency). This variant has not been reported in the literature in individuals affected with POLE-related conditions. ClinVar contains an entry for this variant (Variation ID: 473540). Invitae Evidence Modeling of protein sequence and biophysical properties (such as structural, functional, and spatial information, amino acid conservation, physicochemical variation, residue mobility, and thermodynamic stability) has been performed for this missense variant. However, the output from this modeling did not meet the statistical confidence thresholds required to predict the impact of this variant on POLE protein function. In summary, the available evidence is currently insufficient to determine the role of this variant in disease. Therefore, it has been classified as a Variant of Uncertain Significance.

Ambry Genetics
Classification: Uncertain significance for Hereditary cancer-predisposing syndrome. Last evaluated: 2025-08-31. Review status: criteria provided, single submitter. Criteria: Ambry Variant Classification Scheme 2023. Collection method: clinical testing. Allele origin: germline.